The following is an entry in ClinVar:

ClinVar aggregate classification (germline): Uncertain significance (1 of 4 stars; one submission).

Conditions:
Inborn genetic diseases. Identifiers: MedGen C0950123, MeSH D030342.

Allele frequency attached by ClinVar (database versions not stated): TOPMed below 0.00001.
gnomAD v4.1: 2 of 1,611,756 alleles (0.00012%); highest among the groups gnomAD compares: Non-Finnish European, 0.00017%; no homozygotes.

Submission:

Ambry Genetics
Classification: Uncertain significance for Inborn genetic diseases. Last evaluated: 2024-02-28. Review status: criteria provided, single submitter. Criteria: Ambry Variant Classification Scheme 2023. Collection method: clinical testing. Allele origin: germline.
Comment: The p.G245D variant (also known as c.734G>A), located in coding exon 7 of the LRRK2 gene, results from a G to A substitution at nucleotide position 734. The glycine at codon 245 is replaced by aspartic acid, an amino acid with similar properties. This amino acid position is conserved. In addition, the in silico prediction for this alteration is inconclusive. Based on the available evidence, the clinical significance of this alteration remains unclear.

NM_198578.4(LRRK2):c.734G>A (p.Gly245Asp)

Gene: LRRK2 (leucine rich repeat kinase 2; plus strand). Cytogenetic location: 12q12.
Variant type: single nucleotide variant.
Coding change: c.734G>A on transcript NM_198578.4 (MANE Select); coding-DNA position 734, G replaced by A.
Protein change: p.Gly245Asp; replaces glycine 245 with aspartic acid.
Molecular consequence: missense variant.
Genome position (GRCh38, 1-based): chr12:40,243,577, G>A. VCF-style: chr12-40243577-G-A. GRCh37 (hg19) VCF-style: chr12-40637379-G-A.
Other names: short protein forms G245D.
Identifiers: ClinVar variation 3229786 (VCV003229786.1), dbSNP rs1190175882, ClinGen allele CA384405806.